The following is an entry in ClinVar:

NM_001848.3(COL6A1):c.2549G>A (p.Arg850His)

Gene: COL6A1 (collagen type VI alpha 1 chain; plus strand). Cytogenetic location: 21q22.3.
Variant type: single nucleotide variant.
Coding change: c.2549G>A on transcript NM_001848.3 (MANE Select); coding-DNA position 2549, G replaced by A.
Protein change: p.Arg850His; replaces arginine 850 with histidine.
Molecular consequence: missense variant.
Genome position (GRCh38, 1-based): chr21:46,003,475, G>A. VCF-style: chr21-46003475-G-A. GRCh37 (hg19) VCF-style: chr21-47423389-G-A.
Identifiers: ClinVar variation 93861 (VCV000093861.31), dbSNP rs1053312, ClinGen allele CA147380.

ClinVar aggregate classification (germline): Benign. Review status: criteria provided, multiple submitters, no conflicts (2 of 4 stars). 14 submissions from 13 submitters: Benign (11). 3 of the submissions do not count toward it. Last evaluated 2026-02-03.

Conditions:
Collagen 6-related myopathy. Identifiers: MedGen CN117976, MONDO:0100225.
Ullrich congenital muscular dystrophy 1A. Also called: Ullrich congenital muscular dystrophy 1; Intermediate COL6-RD. Identifiers: Orphanet 75840, MedGen C0410179, MONDO:0009681, OMIM 254090.
Bethlem myopathy 1A. Also called: Bethlem myopathy 1; Bethlem Muscular Dystrophy; MYOPATHY, BENIGN CONGENITAL, WITH CONTRACTURES. Identifiers: Orphanet 610, MedGen CN029274, MONDO:0024530, OMIM 158810.

Allele frequency attached by ClinVar (database versions not stated): 1000 Genomes Project 0.27017; ESP Exome Variant Server 0.33961; ExAC 0.28883; gnomAD exomes 0.30250 and 0.28341; 1000 Genomes Project 30x 0.27436; gnomAD 0.32867 and 0.32217; TOPMed 0.32955.

Submissions (14):

Labcorp Genetics (formerly Invitae), Labcorp
Classification: Benign for Bethlem myopathy 1A. Last evaluated: 2026-02-03. Review status: criteria provided, single submitter. Criteria: Invitae Variant Classification Sherloc (09022015). Collection method: clinical testing. Allele origin: germline.

Genome-Nilou Lab
Classification: Benign for Bethlem myopathy 1A. Last evaluated: 2021-07-30. Review status: criteria provided, single submitter. Criteria: ACMG Guidelines, 2015. Collection method: clinical testing. Allele origin: germline. Affected: no.

Genome-Nilou Lab
Classification: Benign for Ullrich congenital muscular dystrophy 1A. Last evaluated: 2021-07-30. Review status: criteria provided, single submitter. Criteria: ACMG Guidelines, 2015. Collection method: clinical testing. Allele origin: germline. Affected: no.

Athena Diagnostics
Classification: Benign. Last evaluated: 2021-06-07. Review status: criteria provided, single submitter. Criteria: Athena Diagnostics Criteria. Collection method: clinical testing. Allele origin: unknown.

Illumina Laboratory Services, Illumina
Classification: Benign for Collagen VI-related myopathy. Last evaluated: 2018-01-12. Review status: criteria provided, single submitter. Criteria: ICSL Variant Classification Criteria 13 December 2019. Collection method: clinical testing. Allele origin: germline.
Comment: This variant was observed in the ICSL laboratory as part of a predisposition screen in an ostensibly healthy population. It had not been previously curated by ICSL or reported in the Human Gene Mutation Database (HGMD: prior to June 1st, 2018), and was therefore a candidate for classification through an automated scoring system. Utilizing variant allele frequency, disease prevalence and penetrance estimates, and inheritance mode, an automated score was calculated to assess if this variant is too frequent to cause the disease. Based on the score and internal cut-off values, a variant classified as benign is not then subjected to further curation. The score for this variant resulted in a classification of benign for this disease.

Mayo Clinic Laboratories, Mayo Clinic
Classification: Benign. Last evaluated: 2017-07-24. Review status: criteria provided, single submitter. Criteria: ACMG Guidelines, 2015. Collection method: clinical testing. Allele origin: germline. Observed: 377 variant alleles.

GeneDx
Classification: Benign. Last evaluated: 2016-01-22. Review status: criteria provided, single submitter. Criteria: GeneDx Variant Classification (06012015). Collection method: clinical testing. Allele origin: germline. Affected: yes.
Comment: This variant is considered likely benign or benign based on one or more of the following criteria: it is a conservative change, it occurs at a poorly conserved position in the protein, it is predicted to be benign by multiple in silico algorithms, and/or has population frequency not consistent with disease.

Genetic Services Laboratory, University of Chicago
Classification: Benign for AllHighlyPenetrant. Last evaluated: 2013-08-15. Review status: criteria provided, single submitter. Criteria: ACMG Guidelines, 2007. Collection method: clinical testing. Allele origin: germline.

Eurofins Ntd Llc (ga)
Classification: Benign. Last evaluated: 2012-07-17. Review status: criteria provided, single submitter. Criteria: EGL Classification Definitions 2015. Collection method: clinical testing. Allele origin: germline. Observed: 58 variant alleles, 48 heterozygotes, 10 homozygotes.

Breakthrough Genomics
Classification: Benign. Review status: criteria provided, single submitter. Criteria: ACMG Guidelines, 2015. Collection method: not provided. Allele origin: germline. Inheritance: Autosomal recessive inheritance. Affected: yes.

PreventionGenetics, part of Exact Sciences
Classification: Benign. Review status: criteria provided, single submitter. Criteria: ACMG Guidelines, 2015. Collection method: clinical testing. Allele origin: germline.

Clinical Genetics, Academic Medical Center
Classification: Benign. Review status: no assertion criteria provided. Collection method: clinical testing. Allele origin: germline. Affected: yes. Study: VKGL Data-share Consensus. Not counted in ClinVar's aggregate classification.

Diagnostic Laboratory, Department of Genetics, University Medical Center Groningen
Classification: Benign. Review status: no assertion criteria provided. Collection method: clinical testing. Allele origin: germline. Affected: yes. Study: VKGL Data-share Consensus. Not counted in ClinVar's aggregate classification.

Joint Genome Diagnostic Labs from Nijmegen and Maastricht, Radboudumc and MUMC+
Classification: Benign. Review status: no assertion criteria provided. Collection method: clinical testing. Allele origin: germline. Affected: yes. Study: VKGL Data-share Consensus. Not counted in ClinVar's aggregate classification.